The following is an entry in ClinVar:

NM_000057.4(BLM):c.1476_1487del (p.Phe492_His495del)

Gene: BLM (BLM RecQ like helicase; plus strand). Cytogenetic location: 15q26.1.
Variant type: Deletion.
Coding change: c.1476_1487del on transcript NM_000057.4 (MANE Select); coding-DNA positions 1476 to 1487, 12 bases deleted (CAATACCCATTT).
Protein change: p.Phe492_His495del.
Molecular consequence: inframe deletion.
Genome position (GRCh38, 1-based): chr15:90,760,849-90,760,860, CAATACCCATTT deleted; deleting any 12 consecutive bases within chr15:90,760,847-90,760,860 gives the same sequence; the c. name uses the placement nearest the transcript's 3' end. VCF-style (leftmost placement, unchanged base first): chr15-90760846-ATTCAATACCCAT-A. GRCh37 (hg19) VCF-style: chr15-91304076-ATTCAATACCCAT-A.
Other names: c.1476_1487del, p.Phe492_His495del (NM_001287246.2, NM_001287247.2); c.351_362del, p.Phe117_His120del (NM_001287248.2).
Identifiers: ClinVar variation 944043 (VCV000944043.10), dbSNP rs1895959648, ClinGen allele CA1139664160.

ClinVar aggregate classification (germline): Uncertain significance (1 of 4 stars; one submission).

Conditions:
Bloom syndrome (BLM). Also called: Bloom-Torre-Machacek syndrome. Identifiers: Orphanet 125, MedGen C0005859, MONDO:0008876, OMIM 210900.

Submission:

Labcorp Genetics (formerly Invitae), Labcorp
Classification: Uncertain significance for Bloom syndrome. Last evaluated: 2019-04-29. Review status: criteria provided, single submitter. Criteria: Invitae Variant Classification Sherloc (09022015). Collection method: clinical testing. Allele origin: germline.
Comment: This variant has not been reported in the literature in individuals with BLM-related conditions. This variant is not present in population databases (ExAC no frequency). This variant, c.1476_1487del, results in the deletion of 4 amino acid(s) of the BLM protein (p.Phe492_His495del), but otherwise preserves the integrity of the reading frame. Experimental studies and prediction algorithms are not available for this variant, and the functional significance of the affected amino acid(s) is currently unknown. In summary, the available evidence is currently insufficient to determine the role of this variant in disease. Therefore, it has been classified as a Variant of Uncertain Significance.